The following is an entry in ClinVar:

NM_000051.4(ATM):c.2839-581G>T

Gene: ATM (ATM serine/threonine kinase; plus strand). Cytogenetic location: 11q22.3.
Variant type: single nucleotide variant.
Coding change: c.2839-581G>T on transcript NM_000051.4 (MANE Select); 581 bases into the intron before coding-DNA position 2839, G replaced by T.
Molecular consequence: intron variant.
Genome position (GRCh38, 1-based): chr11:108,270,483, G>T. VCF-style: chr11-108270483-G-T. GRCh37 (hg19) VCF-style: chr11-108141210-G-T.
Other names: c.2839-581G>T (NM_001351834.2).
Identifiers: ClinVar variation 1796680 (VCV001796680.3), dbSNP rs2135541843, ClinGen allele CA2580083192.
Genomic context (GRCh38, chr11:108,270,483, plus strand): 5'-CCACAATAGAAGCTAGACTTTTACGTTTATTTTCTCTAATCCTCACAGTTATCTGGCCAG[G>T]TAAGTGATATATCTTCACTCTACTGATGAGGGTACGAAGGCCCTAGATGACATAAGGCAA-3'

ClinVar aggregate classification (germline): Uncertain significance (1 of 4 stars; one submission).

Conditions:
Hereditary cancer-predisposing syndrome. Also called: Tumor predisposition; Hereditary Cancer Syndrome; Neoplastic Syndromes, Hereditary; Hereditary neoplastic syndrome. Identifiers: Orphanet 140162, MedGen C0027672, MeSH D009386, MONDO:0015356.

Submission:

Ambry Genetics
Classification: Uncertain significance for Hereditary cancer-predisposing syndrome. Last evaluated: 2024-09-27. Review status: criteria provided, single submitter. Criteria: Ambry Variant Classification Scheme 2023. Collection method: clinical testing. Allele origin: germline.
Comment: The c.2839-581G>T intronic variant results from a G to T substitution 581 nucleotides upstream from coding exon 18 in the ATM gene. In silico splice site analysis for this alteration is inconclusive. RNA studies have demonstrated that this alteration results in abnormal splicing in the set of samples tested (Ambry internal data). This nucleotide position is not well conserved in available vertebrate species. Based on the available evidence, the clinical significance of this variant remains unclear.